The following is an entry in ClinVar:

NM_206926.2(SELENON):c.992T>C (p.Met331Thr)

Gene: SELENON (selenoprotein N; plus strand). Cytogenetic location: 1p36.11.
Variant type: single nucleotide variant.
Coding change: c.992T>C on transcript NM_206926.2 (MANE Select); coding-DNA position 992, T replaced by C.
Protein change: p.Met331Thr; replaces methionine 331 with threonine.
Molecular consequence: missense variant.
Genome position (GRCh38, 1-based): chr1:25,811,692, T>C. VCF-style: chr1-25811692-T-C. GRCh37 (hg19) VCF-style: chr1-26138183-T-C.
Other names: c.1094T>C, p.Met365Thr (NM_020451.3); short protein forms M365T, M331T.
Identifiers: ClinVar variation 461626 (VCV000461626.9), dbSNP rs973033318, ClinGen allele CA19698802.

ClinVar aggregate classification (germline): Uncertain significance (1 of 4 stars; one submission).

Conditions:
Eichsfeld type congenital muscular dystrophy (CMYO3). Also called: MYOPATHY, SEPN1-RELATED; SELENON-related myopathy; Congenital myopathy 3 with rigid spine; Rigid spine muscular dystrophy 1. Identifiers: MedGen C0410180, MONDO:0100100, OMIM 602771.

Allele frequency attached by ClinVar (database versions not stated): TOPMed 0.00001.
gnomAD v4.1: 2 of 1,610,762 alleles (0.00012%); highest among the groups gnomAD compares: African/African-American, 0.0027%; no homozygotes.

Submission:

Labcorp Genetics (formerly Invitae), Labcorp
Classification: Uncertain significance for Eichsfeld type congenital muscular dystrophy. Last evaluated: 2019-05-08. Review status: criteria provided, single submitter. Criteria: Invitae Variant Classification Sherloc (09022015). Collection method: clinical testing. Allele origin: germline.
Comment: Algorithms developed to predict the effect of missense changes on protein structure and function (SIFT, PolyPhen-2, Align-GVGD) all suggest that this variant is likely to be disruptive, but these predictions have not been confirmed by published functional studies and their clinical significance is uncertain. This variant has not been reported in the literature in individuals with SELENON-related disease. ClinVar contains an entry for this variant (Variation ID: 461626). This variant is not present in population databases (ExAC no frequency). This sequence change replaces methionine with threonine at codon 365 of the SELENON protein (p.Met365Thr). The methionine residue is highly conserved and there is a moderate physicochemical difference between methionine and threonine. In summary, the available evidence is currently insufficient to determine the role of this variant in disease. Therefore, it has been classified as a Variant of Uncertain Significance.